The following is an entry in ClinVar:

NC_000020.11:g.44355622T>C

Gene: HNF4A (hepatocyte nuclear factor 4 alpha; plus strand). Cytogenetic location: 20q13.12.
Variant type: single nucleotide variant.
Genome position: GRCh38 VCF-style: chr20-44355622-T-C. GRCh37 (hg19) VCF-style: chr20-42984262-T-C.
Identifiers: ClinVar variation 2691837 (VCV002691837.2), dbSNP rs2515421671, ClinGen allele CA2579830356.

ClinVar aggregate classification (germline): Uncertain significance. Review status: reviewed by expert panel (3 of 4 stars). 2 submissions from 2 submitters: Uncertain significance (1). 1 of the submissions does not count toward it. Last evaluated 2024-01-28.

Conditions:
Monogenic diabetes. Identifiers: Orphanet 183625, MedGen C3888631, MONDO:0015967.

Allele frequency attached by ClinVar (database versions not stated): gnomAD exomes below 0.00001.

Submissions (2):

ClinGen Monogenic Diabetes Variant Curation Expert Panel
Classification: Uncertain significance for Monogenic diabetes. Last evaluated: 2024-01-28. Review status: reviewed by expert panel. Criteria: ClinGen Diabetes ACMG Specifications HNF4A V2.0.0. Collection method: curation. Allele origin: germline. Inheritance: Autosomal dominant inheritance.
Comment: The c.-183T>C variant in the hepatic nuclear factor 4-alpha gene, HNF4A, is a single nucleotide variant in the promoter region of NM_175914.5. This variant is absent from gnomAD v2.1.1 (PM2_Supporting). This variant was identified in 2 unrelated individuals with non-autoimmune and non-absolute/near-absolute insulin-deficient diabetes; however, PS4_Moderate cannot be applied because this number is below the ClinGen MDEP threshold (internal lab contributors). One of these individuals had a clinical history highly specific for HNF4A-monogenic diabetes (MODY probability calculator result >50%, negative genetic testing for HNF1A) (PP4; internal lab contributors). This variant segregated with diabetes with 1 informative meiosis in a single family; however, this does not meet the thresholds for PP1 set by the ClinGen MDEP (internal lab contributors). In summary, c.-183T>C meets the criteria to be classified as a variant of uncertain significance for monogenic diabetes. ACMG/AMP criteria applied, as specified by the ClinGen MDEP (specification version 2.0.0, approved 10/11/2023): PP4, PM2_Supporting.

Blueprint Genetics
Classification: Uncertain significance. Last evaluated: 2021-08-04. Review status: criteria provided, single submitter. Criteria: ACMG Guidelines, 2015. Collection method: clinical testing. Allele origin: germline. Not counted in ClinVar's aggregate classification.